The following is an entry in ClinVar:

NM_016247.4(IMPG2):c.3509G>A (p.Cys1170Tyr)

Gene: IMPG2 (interphotoreceptor matrix proteoglycan 2; minus strand). Cytogenetic location: 3q12.3.
Variant type: single nucleotide variant.
Coding change: c.3509G>A on transcript NM_016247.4 (MANE Select); coding-DNA position 3509, G replaced by A.
Protein change: p.Cys1170Tyr; replaces cysteine 1170 with tyrosine.
Molecular consequence: missense variant.
Genome position (GRCh38, 1-based): chr3:101,229,504, C>T on the plus strand (G>A on the coding strand, the complement: IMPG2 is on the minus strand). VCF-style: chr3-101229504-C-T. GRCh37 (hg19) VCF-style: chr3-100948348-C-T.
Other names: short protein forms C1170Y.
Identifiers: ClinVar variation 1382805 (VCV001382805.8), dbSNP rs2107204023, ClinGen allele CA353847715.
Genomic context (GRCh38, chr3:101,229,504, plus strand): 5'-ACGTCTCCGCTAGCAGAGCTGTAGAAGGGATGCTGAGGATAGGGTCCCTCATACTTCTCA[C>T]ATCCAGCCCTGTGACTTTCATACACGGGGTTGTACTTCACAGCATTCTCAATAGATGAGA-3'
Protein context (NP_057331.2, residues 1160-1180): NPVYESHRAG[Cys1170Tyr]EKYEGPYPQH

ClinVar aggregate classification (germline): Uncertain significance (1 of 4 stars; one submission).

Allele frequency attached by ClinVar (database versions not stated): gnomAD exomes below 0.00001.
gnomAD v4.1: 1 of 1,613,826 alleles (0.000062%); highest among the groups gnomAD compares: Non-Finnish European, 0.000085%; no homozygotes.

Submission:

Labcorp Genetics (formerly Invitae), Labcorp
Classification: Uncertain significance. Last evaluated: 2022-11-01. Review status: criteria provided, single submitter. Criteria: Invitae Variant Classification Sherloc (09022015). Collection method: clinical testing. Allele origin: germline.
Comment: ClinVar contains an entry for this variant (Variation ID: 1382805). This variant has not been reported in the literature in individuals affected with IMPG2-related conditions. This variant is not present in population databases (gnomAD no frequency). This sequence change replaces cysteine, which is neutral and slightly polar, with tyrosine, which is neutral and polar, at codon 1170 of the IMPG2 protein (p.Cys1170Tyr). In summary, the available evidence is currently insufficient to determine the role of this variant in disease. Therefore, it has been classified as a Variant of Uncertain Significance. Advanced modeling of protein sequence and biophysical properties (such as structural, functional, and spatial information, amino acid conservation, physicochemical variation, residue mobility, and thermodynamic stability) performed at Invitae indicates that this missense variant is not expected to disrupt IMPG2 protein function.